The following is an entry in ClinVar:

NM_002230.4(JUP):c.106_108del (p.Ser36del)

Gene: JUP (junction plakoglobin; minus strand). Cytogenetic location: 17q21.2.
Variant type: Deletion.
Coding change: c.106_108del on transcript NM_002230.4 (MANE Select); coding-DNA positions 106 to 108, 3 bases deleted (TCC; older notation c.106_108delTCC).
Protein change: p.Ser36del; deletes serine 36.
Molecular consequence: inframe indel (on NM_002230.2).
Genome position (GRCh38, 1-based): chr17:41,771,747-41,771,749, GGA deleted on the plus strand (TCC on the coding strand, the reverse complement: JUP is on the minus strand); deleting any 3 consecutive bases within chr17:41,771,747-41,771,751 gives the same sequence; the c. name uses the placement nearest the transcript's 3' end. VCF-style (leftmost placement, unchanged base first): chr17-41771746-CGGA-C. GRCh37 (hg19) VCF-style: chr17-39927998-CGGA-C.
Other names: c.106_108del, p.Ser36del (NM_001352773.2, NM_001352774.2, NM_001352775.2 and 3 more transcripts); c.106_108delTCC (NM_002230.2); short protein forms S36del.
Identifiers: ClinVar variation 5022918 (VCV005022918.1).

ClinVar aggregate classification (germline): Uncertain significance (1 of 4 stars; one submission).

Conditions:
Cardiovascular phenotype. Identifiers: MedGen CN230736.

Submission:

Ambry Genetics
Classification: Uncertain significance for Cardiovascular phenotype. Last evaluated: 2026-08-14. Review status: criteria provided, single submitter. Criteria: Ambry Variant Classification Scheme 2023. Collection method: clinical testing. Allele origin: germline.
Comment: The c.106_108delTCC variant (also known as p.S36del) is located in coding exon 1 of the JUP gene. This variant results from an in-frame TCC deletion at nucleotide positions 106 to 108. This results in the in-frame deletion of a serine at codon 36. This amino acid position is highly conserved in available vertebrate species. In addition, this variant is predicted to be deleterious by in silico analysis (Choi Y et al. PLoS ONE. 2012; 7(10):e46688). Based on the available evidence, the clinical significance of this variant remains unclear.